The following is an entry in ClinVar:

ClinVar aggregate classification (germline): Conflicting classifications of pathogenicity. Review status: criteria provided, conflicting classifications (1 of 4 stars). 5 submissions from 4 submitters: Uncertain significance (2); Likely benign (3). Last evaluated 2025-12-15.

Conditions:
ALS2-related disorder. Also called: ALS2-related disorders; ALS2-related condition; ALS2-Related Spectrum Disorders. Identifiers: MedGen CN169291.
Infantile-onset ascending hereditary spastic paralysis (IAHSP). Also called: Autosomal Recessive Juvenile Amyotrophic Lateral Sclerosis; Infantile-Onset Ascending Hereditary Spastic Paralysis (IAHSP). Identifiers: Orphanet 293168, MedGen C2931441, MONDO:0011797, OMIM 607225. Disease mechanism: loss of function.
Amyotrophic lateral sclerosis type 2, juvenile. Also called: ALS, JUVENILE; Amyotrophic lateral sclerosis type 2. Identifiers: Orphanet 300605, MedGen C1859807, MONDO:0008780, OMIM 205100.

Allele frequency attached by ClinVar (database versions not stated): TOPMed below 0.00001.
gnomAD v4.1: 62 of 1,613,718 alleles (0.0038%); highest among the groups gnomAD compares: Non-Finnish European, 0.0053%; no homozygotes.

Submissions (5):

Labcorp Genetics (formerly Invitae), Labcorp
Classification: Likely benign for Infantile-onset ascending hereditary spastic paralysis. Last evaluated: 2025-12-15. Review status: criteria provided, single submitter. Criteria: Invitae Variant Classification Sherloc (09022015). Collection method: clinical testing. Allele origin: germline.

Athena Diagnostics
Classification: Likely benign. Last evaluated: 2025-03-24. Review status: criteria provided, single submitter. Criteria: Athena Diagnostics Criteria. Collection method: clinical testing. Allele origin: unknown.
Comment: Computational tools yielded predictions that this variant is unlikely to have an effect on normal RNA splicing. This nucleotide position exhibits low evolutionary conservation.

Mayo Clinic Laboratories, Mayo Clinic
Classification: Likely benign. Last evaluated: 2025-03-04. Review status: criteria provided, single submitter. Criteria: ACMG Guidelines, 2015. Collection method: clinical testing. Allele origin: germline. Observed: 1 variant allele.
Comment: BP4, BP7

Illumina Laboratory Services, Illumina
Classification: Uncertain significance for ALS2-Related Disorders. Last evaluated: 2018-01-12. Review status: criteria provided, single submitter. Criteria: ICSL Variant Classification Criteria 13 December 2019. Collection method: clinical testing. Allele origin: germline.

Illumina Laboratory Services, Illumina
Classification: Uncertain significance for Amyotrophic lateral sclerosis type 2. Last evaluated: 2018-01-12. Review status: criteria provided, single submitter. Criteria: ICSL Variant Classification Criteria 13 December 2019. Collection method: clinical testing. Allele origin: germline.

NM_020919.4(ALS2):c.4627-4G>A

Gene: ALS2 (alsin Rho guanine nucleotide exchange factor ALS2; minus strand). Cytogenetic location: 2q33.1.
Variant type: single nucleotide variant.
Coding change: c.4627-4G>A on transcript NM_020919.4 (MANE Select); 4 bases into the intron before coding-DNA position 4627, G replaced by A.
Molecular consequence: intron variant.
Genome position (GRCh38, 1-based): chr2:201,705,204, C>T on the plus strand (G>A on the coding strand, the complement: ALS2 is on the minus strand). VCF-style: chr2-201705204-C-T. GRCh37 (hg19) VCF-style: chr2-202569927-C-T.
Other names: p.?.
Identifiers: ClinVar variation 899131 (VCV000899131.10), dbSNP rs765859367, ClinGen allele CA2057509.
Genomic context (GRCh38, chr2:201,705,204, plus strand): 5'-CTGCTGCAGACATTCTACTGCTGAGGCAAAACAAGCATCTTTCGTGGTTGGCAAAACCTG[C>T]AAAAAAGAGAGTGAAGGTCAAGGAGGAAAACTATTTTCTGCAACAACAGAAATAAATGAT-3'